The following is an entry in ClinVar:

ClinVar aggregate classification (germline): Uncertain significance (1 of 4 stars; one submission).

Conditions:
Primary ciliary dyskinesia. Also called: Ciliary dyskinesia. Identifiers: Orphanet 244, MedGen C0008780, MONDO:0016575, HP:0012265.

Allele frequency attached by ClinVar (database versions not stated): TOPMed 0.00002.

Submission:

Labcorp Genetics (formerly Invitae), Labcorp
Classification: Uncertain significance for Primary ciliary dyskinesia. Last evaluated: 2022-03-24. Review status: criteria provided, single submitter. Criteria: Invitae Variant Classification Sherloc (09022015). Collection method: clinical testing. Allele origin: germline.
Comment: This sequence change replaces tyrosine, which is neutral and polar, with phenylalanine, which is neutral and non-polar, at codon 2511 of the DNAH8 protein (p.Tyr2511Phe). This variant is not present in population databases (gnomAD no frequency). In summary, the available evidence is currently insufficient to determine the role of this variant in disease. Therefore, it has been classified as a Variant of Uncertain Significance. Algorithms developed to predict the effect of missense changes on protein structure and function are either unavailable or do not agree on the potential impact of this missense change (SIFT: "Deleterious"; PolyPhen-2: "Not Available"; Align-GVGD: "Class C0"). This variant has not been reported in the literature in individuals affected with DNAH8-related conditions.

NM_001206927.2(DNAH8):c.7532A>T (p.Tyr2511Phe)

Gene: DNAH8 (dynein axonemal heavy chain 8; plus strand). Cytogenetic location: 6p21.2.
Variant type: single nucleotide variant.
Coding change: c.7532A>T on transcript NM_001206927.2 (MANE Select); coding-DNA position 7532, A replaced by T.
Protein change: p.Tyr2511Phe; replaces tyrosine 2511 with phenylalanine.
Molecular consequence: missense variant.
Genome position (GRCh38, 1-based): chr6:38,873,288, A>T. VCF-style: chr6-38873288-A-T. GRCh37 (hg19) VCF-style: chr6-38841064-A-T.
Other names: c.6881A>T, p.Tyr2294Phe (NM_001371.4); short protein forms Y2511F, Y2294F.
Identifiers: ClinVar variation 1970048 (VCV001970048.5), dbSNP rs1191463357, ClinGen allele CA364028538.